The following is an entry in ClinVar:

NM_001039141.3(TRIOBP):c.6472+14_6472+15insT

Gene: TRIOBP (TRIO and F-actin binding protein; plus strand). Cytogenetic location: 22q13.1.
Variant type: Insertion.
Coding change: c.6472+14_6472+15insT on transcript NM_001039141.3 (MANE Select); bases 14 to 15 of the intron after coding-DNA position 6472, T inserted.
Molecular consequence: intron variant.
Genome position: GRCh38 VCF-style: chr22-37765831-G-GT. GRCh37 (hg19) VCF-style: chr22-38161838-G-GT.
Other names: c.1333+14_1333+15insT (NM_007032.5); c.6472+14_6472+15insT (NM_001039141.2).
Identifiers: ClinVar variation 1548069 (VCV001548069.12), dbSNP rs546389039, ClinGen allele CA10225046.

ClinVar aggregate classification (germline): Benign/Likely benign. Review status: criteria provided, multiple submitters, no conflicts (2 of 4 stars). 3 submissions from 3 submitters: Benign (1); Likely benign (1). 1 of the submissions does not count toward it. Last evaluated 2025-11-11.

Conditions:
TRIOBP-related disorder. Also called: TRIOBP-related condition.

Submissions (3):

Labcorp Genetics (formerly Invitae), Labcorp
Classification: Benign. Last evaluated: 2025-11-11. Review status: criteria provided, single submitter. Criteria: Invitae Variant Classification Sherloc (09022015). Collection method: clinical testing. Allele origin: germline.

Blueprint Genetics
Classification: Likely benign. Last evaluated: 2024-09-17. Review status: criteria provided, single submitter. Criteria: ACMG Guidelines, 2015. Collection method: clinical testing. Allele origin: germline.

PreventionGenetics, part of Exact Sciences
Classification: Likely benign for TRIOBP-related condition. Last evaluated: 2022-12-28. Review status: no assertion criteria provided. Collection method: clinical testing. Allele origin: germline. Not counted in ClinVar's aggregate classification.
Comment: This variant is classified as likely benign based on ACMG/AMP sequence variant interpretation guidelines (Richards et al. 2015 PMID: 25741868, with internal and published modifications).